The following is an entry in ClinVar:

NM_003491.4(NAA10):c.342-8C>T

Gene: NAA10 (N-alpha-acetyltransferase 10, NatA catalytic subunit; minus strand). Cytogenetic location: Xq28.
Variant type: single nucleotide variant.
Coding change: c.342-8C>T on transcript NM_003491.4 (MANE Select); 8 bases into the intron before coding-DNA position 342, C replaced by T.
Molecular consequence: intron variant.
Genome position (GRCh38, 1-based): chrX:153,932,123, G>A on the plus strand (C>T on the coding strand, the complement: NAA10 is on the minus strand). VCF-style: chrX-153932123-G-A. GRCh37 (hg19) VCF-style: chrX-153197576-G-A.
Other names: c.324-8C>T (NM_001256120.2); c.341+193C>T (NM_001256119.2).
Identifiers: ClinVar variation 3045700 (VCV003045700.3), dbSNP rs782592666, ClinGen allele CA10556171.

ClinVar aggregate classification (germline): Likely benign. Review status: criteria provided, single submitter (1 of 4 stars). 2 submissions from 2 submitters: Likely benign (1). 1 of the submissions does not count toward it. Last evaluated 2019-04-17.

Conditions:
NAA10-related disorder. Also called: NAA10-related disorders; NAA10-related condition.
Intellectual disability. Also called: intellectual disabilities; Intellectual functioning disability; Intellectual developmental disorder. Identifiers: MedGen C3714756, MeSH D008607, MONDO:0001071, HP:0001249.

Allele frequency attached by ClinVar (database versions not stated): ExAC 0.00001; gnomAD exomes 0.00001.

Submissions (2):

Cambridge Genomics Laboratory, East Genomic Laboratory Hub, NHS Genomic Medicine Service
Classification: Likely benign for Intellectual disability. Last evaluated: 2019-04-17. Review status: criteria provided, single submitter. Criteria: ACGS Best Practice Guidelines for Variant Classification in Rare Disease 2020. Collection method: clinical testing. Allele origin: germline. Affected: yes. Observed: 1 variant allele.

PreventionGenetics, part of Exact Sciences
Classification: Likely benign for NAA10-related condition. Last evaluated: 2023-04-06. Review status: no assertion criteria provided. Collection method: clinical testing. Allele origin: germline. Not counted in ClinVar's aggregate classification.
Comment: This variant is classified as likely benign based on ACMG/AMP sequence variant interpretation guidelines (Richards et al. 2015 PMID: 25741868, with internal and published modifications).